The following is an entry in ClinVar:

ClinVar aggregate classification (germline): Uncertain significance. Review status: criteria provided, multiple submitters, no conflicts (2 of 4 stars). 2 submissions from 2 submitters: Uncertain significance (2). Last evaluated 2023-02-10.

Conditions:
DICER1-related tumor predisposition. Also called: DICER1 syndrome; DICER1-related pleuropulmonary blastoma cancer predisposition syndrome. Identifiers: Orphanet 284343, MedGen C3839822, MONDO:0100216.
Hereditary cancer-predisposing syndrome. Also called: Hereditary neoplastic syndrome; Tumor predisposition; Neoplastic Syndromes, Hereditary; Hereditary Cancer Syndrome. Identifiers: Orphanet 140162, MedGen C0027672, MeSH D009386, MONDO:0015356.

Submissions (2):

Ambry Genetics
Classification: Uncertain significance for Hereditary cancer-predisposing syndrome. Last evaluated: 2023-02-10. Review status: criteria provided, single submitter. Criteria: Ambry Variant Classification Scheme 2023. Collection method: clinical testing. Allele origin: germline.
Comment: The p.K1482R variant (also known as c.4445A>G), located in coding exon 22 of the DICER1 gene, results from an A to G substitution at nucleotide position 4445. The lysine at codon 1482 is replaced by arginine, an amino acid with highly similar properties. This amino acid position is conserved. In addition, this alteration is predicted to be tolerated by in silico analysis. Since supporting evidence is limited at this time, the clinical significance of this alteration remains unclear.

Labcorp Genetics (formerly Invitae), Labcorp
Classification: Uncertain significance for DICER1-related tumor predisposition. Last evaluated: 2019-05-12. Review status: criteria provided, single submitter. Criteria: Invitae Variant Classification Sherloc (09022015). Collection method: clinical testing. Allele origin: germline.
Comment: This sequence change replaces lysine with arginine at codon 1482 of the DICER1 protein (p.Lys1482Arg). The lysine residue is moderately conserved and there is a small physicochemical difference between lysine and arginine. In summary, the available evidence is currently insufficient to determine the role of this variant in disease. Therefore, it has been classified as a Variant of Uncertain Significance. Algorithms developed to predict the effect of missense changes on protein structure and function (SIFT, PolyPhen-2, Align-GVGD) all suggest that this variant is likely to be tolerated, but these predictions have not been confirmed by published functional studies and their clinical significance is uncertain. This variant has not been reported in the literature in individuals with DICER1-related conditions. This variant is not present in population databases (ExAC no frequency).

NM_177438.3(DICER1):c.4445A>G (p.Lys1482Arg)

Gene: DICER1 (dicer 1, ribonuclease III; minus strand). Cytogenetic location: 14q32.13.
Variant type: single nucleotide variant.
Coding change: c.4445A>G on transcript NM_177438.3 (MANE Select); coding-DNA position 4445, A replaced by G.
Protein change: p.Lys1482Arg; replaces lysine 1482 with arginine.
Molecular consequence: missense variant.
Genome position (GRCh38, 1-based): chr14:95,096,475, T>C on the plus strand (A>G on the coding strand, the complement: DICER1 is on the minus strand). VCF-style: chr14-95096475-T-C. GRCh37 (hg19) VCF-style: chr14-95562812-T-C.
Other names: c.4445A>G, p.Lys1482Arg (NM_001195573.1, NM_001271282.3, NM_001291628.2 and 1 more transcripts); short protein forms K1482R.
Identifiers: ClinVar variation 951100 (VCV000951100.12), dbSNP rs1890348716, ClinGen allele CA390868452.